The following is an entry in ClinVar:

ClinVar aggregate classification (germline): Uncertain significance (1 of 4 stars; one submission).

Allele frequency attached by ClinVar (database versions not stated): ExAC 0.00001; 1000 Genomes Project 0.00020; 1000 Genomes Project 30x 0.00031.

Submission:

Labcorp Genetics (formerly Invitae), Labcorp
Classification: Uncertain significance. Last evaluated: 2023-11-28. Review status: criteria provided, single submitter. Criteria: Invitae Variant Classification Sherloc (09022015). Collection method: clinical testing. Allele origin: germline.
Comment: This sequence change replaces proline, which is neutral and non-polar, with serine, which is neutral and polar, at codon 202 of the MARS2 protein (p.Pro202Ser). This variant is present in population databases (rs201591609, gnomAD no frequency). This variant has not been reported in the literature in individuals affected with MARS2-related conditions. ClinVar contains an entry for this variant (Variation ID: 2413941). Advanced modeling of protein sequence and biophysical properties (such as structural, functional, and spatial information, amino acid conservation, physicochemical variation, residue mobility, and thermodynamic stability) performed at Invitae indicates that this missense variant is not expected to disrupt MARS2 protein function with a negative predictive value of 80%. In summary, the available evidence is currently insufficient to determine the role of this variant in disease. Therefore, it has been classified as a Variant of Uncertain Significance.

NM_138395.4(MARS2):c.604C>T (p.Pro202Ser)

Gene: MARS2 (methionyl-tRNA synthetase 2, mitochondrial; plus strand). Cytogenetic location: 2q33.1.
Variant type: single nucleotide variant.
Coding change: c.604C>T on transcript NM_138395.4 (MANE Select); coding-DNA position 604, C replaced by T.
Protein change: p.Pro202Ser; replaces proline 202 with serine.
Molecular consequence: missense variant.
Genome position (GRCh38, 1-based): chr2:197,706,009, C>T. VCF-style: chr2-197706009-C-T. GRCh37 (hg19) VCF-style: chr2-198570733-C-T.
Other names: short protein forms P202S.
Identifiers: ClinVar variation 2413941 (VCV002413941.6), dbSNP rs201591609, ClinGen allele CA2044610.